The following is an entry in ClinVar:

ClinVar aggregate classification (germline): Uncertain significance. Review status: criteria provided, multiple submitters, no conflicts (2 of 4 stars). 2 submissions from 2 submitters: Uncertain significance (2). Last evaluated 2024-09-30.

Conditions:
Inborn genetic diseases. Identifiers: MedGen C0950123, MeSH D030342.

Allele frequency attached by ClinVar (database versions not stated): gnomAD exomes 0.00006; ExAC 0.00007; ESP Exome Variant Server 0.00008.
gnomAD v4.1: 44 of 1,613,998 alleles (0.0027%); highest among the groups gnomAD compares: Middle Eastern, 0.033%; no homozygotes.

Submissions (2):

Ambry Genetics
Classification: Uncertain significance for Inborn genetic diseases. Last evaluated: 2024-09-30. Review status: criteria provided, single submitter. Criteria: Ambry Variant Classification Scheme 2023. Collection method: clinical testing. Allele origin: germline.

Labcorp Genetics (formerly Invitae), Labcorp
Classification: Uncertain significance. Last evaluated: 2022-05-27. Review status: criteria provided, single submitter. Criteria: Invitae Variant Classification Sherloc (09022015). Collection method: clinical testing. Allele origin: germline.
Comment: In summary, the available evidence is currently insufficient to determine the role of this variant in disease. Therefore, it has been classified as a Variant of Uncertain Significance. Advanced modeling of protein sequence and biophysical properties (such as structural, functional, and spatial information, amino acid conservation, physicochemical variation, residue mobility, and thermodynamic stability) performed at Invitae indicates that this missense variant is not expected to disrupt ALOXE3 protein function. This variant has not been reported in the literature in individuals affected with ALOXE3-related conditions. This variant is present in population databases (rs141814242, gnomAD 0.01%). This sequence change replaces arginine, which is basic and polar, with histidine, which is basic and polar, at codon 239 of the ALOXE3 protein (p.Arg239His).

NM_021628.3(ALOXE3):c.716G>A (p.Arg239His)

Gene: ALOXE3 (arachidonate epidermal lipoxygenase 3; minus strand). Cytogenetic location: 17p13.1.
Variant type: single nucleotide variant.
Coding change: c.716G>A on transcript NM_021628.3 (MANE Select); coding-DNA position 716, G replaced by A.
Protein change: p.Arg239His; replaces arginine 239 with histidine.
Molecular consequence: missense variant.
Genome position (GRCh38, 1-based): chr17:8,112,161, C>T on the plus strand (G>A on the coding strand, the complement: ALOXE3 is on the minus strand). VCF-style: chr17-8112161-C-T. GRCh37 (hg19) VCF-style: chr17-8015479-C-T.
Other names: c.1112G>A, p.Arg371His (NM_001165960.1); c.713G>A, p.Arg238His (NM_001369446.1); c.716G>A (NM_021628.2); short protein forms R238H, R239H, R371H.
Identifiers: ClinVar variation 1427848 (VCV001427848.7), dbSNP rs141814242, ClinGen allele CA8368312.
Genomic context (GRCh38, chr17:8,112,161, plus strand): 5'-AAGGTCTTATGGCACCAGAAGATGTTCTGCATGTCATCCAGCTTCTTCCAGGAGCCCTTG[C>T]GATCCAACAGCCCTCGAAGCTTCATTCCCAAGGACCTGATGGGAGAGGAAAAGATGAGGG-3'
Protein context (NP_067641.2, residues 229-249): LGMKLRGLLD[Arg239His]KGSWKKLDDM